The following is an entry in ClinVar:

NM_002430.3(MN1):c.2735A>G (p.Gln912Arg)

Gene: MN1 (MN1 proto-oncogene, transcriptional regulator; minus strand). Cytogenetic location: 22q12.1.
Variant type: single nucleotide variant.
Coding change: c.2735A>G on transcript NM_002430.3 (MANE Select); coding-DNA position 2735, A replaced by G.
Protein change: p.Gln912Arg; replaces glutamine 912 with arginine.
Molecular consequence: missense variant.
Genome position (GRCh38, 1-based): chr22:27,797,809, T>C on the plus strand (A>G on the coding strand, the complement: MN1 is on the minus strand). VCF-style: chr22-27797809-T-C. GRCh37 (hg19) VCF-style: chr22-28193797-T-C.
Other names: short protein forms Q912R.
Identifiers: ClinVar variation 3378151 (VCV003378151.1).

ClinVar aggregate classification (germline): Uncertain significance (1 of 4 stars; one submission).

gnomAD v4.1: 2 of 1,588,790 alleles (0.00013%); highest among the groups gnomAD compares: South Asian, 0.0011%; no homozygotes.

Submission:

GeneDx
Classification: Uncertain significance. Last evaluated: 2024-05-10. Review status: criteria provided, single submitter. Criteria: GeneDx Variant Classification Process June 2021. Collection method: clinical testing. Allele origin: germline. Affected: yes.
Comment: Not observed at significant frequency in large population cohorts (gnomAD); In silico analysis supports that this missense variant has a deleterious effect on protein structure/function; Has not been previously published as pathogenic or benign to our knowledge